The following is an entry in ClinVar:

NM_032043.3(BRIP1):c.3011del (p.Ser1004fs)

Gene: BRIP1 (BRCA1 interacting DNA helicase 1; minus strand). Cytogenetic location: 17q23.2.
Variant type: Deletion.
Coding change: c.3011del on transcript NM_032043.3 (MANE Select); coding-DNA position 3011, one base deleted (G; older notation c.3011delG).
Protein change: p.Ser1004fs; shifts the reading frame from serine 1004.
Molecular consequence: frameshift variant.
Genome position (GRCh38, 1-based): chr17:61,684,035, C deleted on the plus strand (G on the coding strand, the reverse complement: BRIP1 is on the minus strand). VCF-style (leftmost placement, unchanged base first): chr17-61684034-GC-G. GRCh37 (hg19) VCF-style: chr17-59761395-GC-G.
Other names: short protein forms S1004fs.
Identifiers: ClinVar variation 3261820 (VCV003261820.1).

ClinVar aggregate classification (germline): Uncertain significance (1 of 4 stars; one submission).

Conditions:
Hereditary cancer-predisposing syndrome. Also called: Hereditary Cancer Syndrome; Tumor predisposition; Hereditary neoplastic syndrome; Neoplastic Syndromes, Hereditary. Identifiers: Orphanet 140162, MedGen C0027672, MeSH D009386, MONDO:0015356.

Submission:

Ambry Genetics
Classification: Uncertain significance for Hereditary cancer-predisposing syndrome. Last evaluated: 2024-05-31. Review status: criteria provided, single submitter. Criteria: Ambry Variant Classification Scheme 2023. Collection method: clinical testing. Allele origin: germline.
Comment: The c.3011delG variant, located in coding exon 19 of the BRIP1 gene, results from a deletion of one nucleotide at nucleotide position 3011, causing a translational frameshift with a predicted alternate stop codon (p.S1004Tfs*55). This alteration occurs at the 3' terminus of theBRIP1 gene, is not expected to trigger nonsense-mediated mRNAdecay, and only impacts the last 19% of the protein. The exact functional effect of this alteration is unknown. Based on the available evidence, the clinical significance of this variant remains unclear.